The following is an entry in ClinVar:

ClinVar aggregate classification (germline): Conflicting classifications of pathogenicity. Review status: criteria provided, conflicting classifications (1 of 4 stars). 6 submissions from 6 submitters: Uncertain significance (3); Likely benign (2). 1 of the submissions does not count toward it. Last evaluated 2025-10-29.

Conditions:
Breast-ovarian cancer, familial, susceptibility to, 3. Also called: RAD51C-Related Breast/Ovarian Cancer. Identifiers: Orphanet 145, MedGen C3150659, MONDO:0013253, OMIM 613399.
Fanconi anemia complementation group O. Also called: RAD51C-Related Fanconi Anemia. Identifiers: Orphanet 84, MedGen C3150653, MONDO:0013248, OMIM 613390.
Hereditary cancer-predisposing syndrome. Also called: Tumor predisposition; Hereditary Cancer Syndrome; Hereditary neoplastic syndrome; Neoplastic Syndromes, Hereditary. Identifiers: Orphanet 140162, MedGen C0027672, MeSH D009386, MONDO:0015356.

Allele frequency attached by ClinVar (database versions not stated): ExAC 0.00001; gnomAD exomes 0.00001.
gnomAD v4.1: 8 of 1,614,136 alleles (0.0005%); highest among the groups gnomAD compares: East Asian, 0.0089%; no homozygotes.

Submissions (7):

Labcorp Genetics (formerly Invitae), Labcorp
Classification: Uncertain significance for Fanconi anemia complementation group O. Last evaluated: 2025-10-29. Review status: criteria provided, single submitter. Criteria: Invitae Variant Classification Sherloc (09022015). Collection method: clinical testing. Allele origin: germline.
Comment: This sequence change affects codon 78 of the RAD51C mRNA. It is a 'silent' change, meaning that it does not change the encoded amino acid sequence of the RAD51C protein. RNA analysis indicates that this variant induces altered splicing and may result in an absent or altered protein product. This variant is present in population databases (rs730881929, gnomAD 0.006%). This variant has not been reported in the literature in individuals affected with RAD51C-related conditions. ClinVar contains an entry for this variant (Variation ID: 182833). Studies have shown that this variant results in activation of a cryptic splice site in exon 2, and produces a non-functional protein and/or introduces a premature termination codon (internal data). In summary, the available evidence is currently insufficient to determine the role of this variant in disease. Therefore, it has been classified as a Variant of Uncertain Significance.

Women's Health and Genetics/Laboratory Corporation of America, LabCorp
Classification: Uncertain significance. Last evaluated: 2025-02-13. Review status: criteria provided, single submitter. Criteria: LabCorp Variant Classification Summary - May 2015. Collection method: clinical testing. Allele origin: germline.
Comment: Variant summary: RAD51C c.234A>G alters a non-conserved nucleotide resulting in a synonymous change. Several computational tools predict a significant impact on normal splicing: Three predict the variant strengthens a cryptic exonic 5' splicing donor site. In-house RNA analysis has shown that this variant results in activation of a cryptic splice site and introduces a premature termination codon (internal data). The resulting mRNA is expected to undergo nonsense-mediated decay. The variant allele was found at a frequency of 1.2e-05 in 251462 control chromosomes. The available data on variant occurrences in the general population are insufficient to allow any conclusion about variant significance. To our knowledge, c.234A>G has not been reported in the literature in individuals affected with Fanconi Anemia Complementation Group O, but has been reported as a VUS in an individual with biliary tract cancer (Okawa_2023). These report(s) do not provide unequivocal conclusions about association of the variant with Fanconi Anemia Complementation Group O/RAD51C associated cancers. To our knowledge, no experimental evidence demonstrating an impact on protein function has been reported. The following publication has been ascertained in the context of this evaluation (PMID: 36243179). ClinVar contains an entry for this variant (Variation ID: 182833). Based on the evidence outlined above, the variant was classified as uncertain significance.

GeneDx
Classification: Uncertain significance. Last evaluated: 2018-12-05. Review status: criteria provided, single submitter. Criteria: GeneDx Variant Classification (06012015). Collection method: clinical testing. Allele origin: germline. Affected: yes.
Comment: This variant is denoted RAD51C c.234A>G at the DNA level. It is silent at the coding level, preserving a Threonine at codon 78. In silico analyses, which include splice predictors and evolutionary conservation, are inconsistent in their assessment as to whether or not the variant is damaging. This variant has not, to our knowledge, been published in the literature as pathogenic or benign. RAD51C c.234A>G was not observed at a significant allele frequency in large population cohorts (Lek 2016). Based on currently available information, it is unclear whether RAD51C c.234A>G is pathogenic or benign. We consider it to be a variant of uncertain significance.

Color Diagnostics, LLC DBA Color Health
Classification: Likely benign for Hereditary cancer-predisposing syndrome. Last evaluated: 2018-12-03. Review status: criteria provided, single submitter. Criteria: ACMG Guidelines, 2015. Collection method: clinical testing. Allele origin: germline.

Ambry Genetics
Classification: Likely benign for Hereditary cancer-predisposing syndrome. Last evaluated: 2014-12-15. Review status: criteria provided, single submitter. Criteria: Ambry Variant Classification Scheme 2023. Collection method: clinical testing. Allele origin: germline.

Counsyl
Classification: Likely benign for Fanconi anemia complementation group O; Breast-ovarian cancer, familial, susceptibility to, 3. Last evaluated: 2018-05-18. Review status: no assertion criteria provided. Collection method: clinical testing. Allele origin: unknown. Not counted in ClinVar's aggregate classification.

Dr. Peter K. Rogan Lab, Western University
No classification provided (evidence only). Condition: Glioma susceptibility 1. Review status: no classification provided. Collection method: in vitro. Allele origin: not applicable. Functional consequence: retained intron. Not counted in ClinVar's aggregate classification.

Literature cited by the submitters: PubMed 36243179 (cited by Women's Health and Genetics/Laboratory Corporation of America, LabCorp).

NM_058216.3(RAD51C):c.234A>G (p.Thr78=)

Gene: RAD51C (RAD51 paralog C; plus strand). Cytogenetic location: 17q22.
Variant type: single nucleotide variant.
Coding change: c.234A>G on transcript NM_058216.3 (MANE Select); coding-DNA position 234, A replaced by G.
Protein change: p.Thr78=; no amino-acid change (threonine 78 retained).
Molecular consequence: synonymous variant. On other transcripts: non-coding transcript variant (2).
Genome position (GRCh38, 1-based): chr17:58,695,019, A>G. VCF-style: chr17-58695019-A-G. GRCh37 (hg19) VCF-style: chr17-56772380-A-G.
Other names: p.T78T:ACA>ACG; c.234A>G, p.Thr78= (NM_002876.4).
Identifiers: ClinVar variation 182833 (VCV000182833.20), dbSNP rs730881929, ClinGen allele CA299879.